The following is an entry in ClinVar:

ClinVar aggregate classification (germline): Likely benign. Review status: criteria provided, multiple submitters, no conflicts (2 of 4 stars). 2 submissions from 2 submitters: Likely benign (2). Last evaluated 2026-04-21.

Conditions:
NBAS-related disorder. Also called: NBAS-related condition.

Allele frequency attached by ClinVar (database versions not stated): gnomAD exomes 0.00003; TOPMed 0.00004; ExAC 0.00005; gnomAD 0.00005.
gnomAD v4.1: 38 of 1,614,016 alleles (0.0024%); highest among the groups gnomAD compares: East Asian, 0.027%; no homozygotes.

Submissions (2):

PreventionGenetics, part of Exact Sciences
Classification: Likely benign for NBAS-related condition. Last evaluated: 2026-04-21. Review status: criteria provided, single submitter. Criteria: ACMG Guidelines, 2015. Collection method: clinical testing. Allele origin: germline.
Comment: This variant is classified as likely benign based on ACMG/AMP sequence variant interpretation guidelines (Richards et al. 2015 PMID: 25741868, with internal and published modifications).

Labcorp Genetics (formerly Invitae), Labcorp
Classification: Likely benign. Last evaluated: 2024-08-31. Review status: criteria provided, single submitter. Criteria: Invitae Variant Classification Sherloc (09022015). Collection method: clinical testing. Allele origin: germline.

NM_015909.4(NBAS):c.1701C>T (p.Asn567=)

Gene: NBAS (NBAS subunit of NRZ tethering complex; minus strand). Cytogenetic location: 2p24.3.
Variant type: single nucleotide variant.
Coding change: c.1701C>T on transcript NM_015909.4 (MANE Select); coding-DNA position 1701, C replaced by T.
Protein change: p.Asn567=; no amino-acid change (asparagine 567 retained).
Molecular consequence: synonymous variant. On other transcripts: non-coding transcript variant (1).
Genome position (GRCh38, 1-based): chr2:15,473,246, G>A on the plus strand (C>T on the coding strand, the complement: NBAS is on the minus strand). VCF-style: chr2-15473246-G-A. GRCh37 (hg19) VCF-style: chr2-15613370-G-A.
Other names: c.1701C>T (NM_015909.3).
Identifiers: ClinVar variation 1592733 (VCV001592733.9), dbSNP rs745327746, ClinGen allele CA1536594.